The following is an entry in ClinVar:

NC_000007.13:g.(?_98785903)_(98786206_?)del

Gene: KPNA7 (karyopherin subunit alpha 7; minus strand). Cytogenetic location: 7q22.1.
Variant type: Deletion.
Identifiers: ClinVar variation 1010648 (VCV001010648.8).

ClinVar aggregate classification (germline): Uncertain significance (1 of 4 stars; one submission).

Submission:

Labcorp Genetics (formerly Invitae), Labcorp
Classification: Uncertain significance. Last evaluated: 2022-06-19. Review status: criteria provided, single submitter. Criteria: Invitae Variant Classification Sherloc (09022015). Collection method: clinical testing. Allele origin: germline.
Comment: This variant is a gross deletion of the genomic region encompassing exon(s) 6 of the KPNA7 gene. This variant would be expected to be in-frame, preserving the integrity of the reading frame. This variant has not been reported in the literature in individuals affected with KPNA7-related conditions. Experimental studies and prediction algorithms are not available or were not evaluated, and the functional significance of this variant is currently unknown. In summary, the available evidence is currently insufficient to determine the role of this variant in disease. Therefore, it has been classified as a Variant of Uncertain Significance.